The following is an entry in ClinVar:

NM_017534.6(MYH2):c.4737T>A (p.Asp1579Glu)

Genes: MYH2 (myosin heavy chain 2; minus strand), MYHAS (myosin heavy chain gene cluster antisense RNA; plus strand), LOC126862500 (BRD4-independent group 4 enhancer GRCh37_chr17:10427829-10429028; plus strand). Cytogenetic location: 17p13.1.
Variant type: single nucleotide variant.
Coding change: c.4737T>A on transcript NM_017534.6 (MANE Select); coding-DNA position 4737, T replaced by A.
Protein change: p.Asp1579Glu; replaces aspartic acid 1579 with glutamic acid.
Molecular consequence: missense variant.
Genome position (GRCh38, 1-based): chr17:10,524,991, A>T on the plus strand (T>A on the coding strand, the complement: MYH2 is on the minus strand). VCF-style: chr17-10524991-A-T. GRCh37 (hg19) VCF-style: chr17-10428308-A-T.
Other names: c.4737T>A, p.Asp1579Glu (NM_001100112.2); short protein forms D1579E.
Identifiers: ClinVar variation 2125945 (VCV002125945.4), dbSNP rs2073332561, ClinGen allele CA398122107.
Genomic context (GRCh38, chr17:10,524,991, plus strand): 5'-GATTCTAATGTGGTTTCTCTTCAGCTGGTCAATTTCCTCATCTTTTTCAGCAATTTTCCT[A>T]TCAACCTCAGACTTGACTTGGTTCAACTCAAGCTGGATGCGCAGGATCTTTCCCTCTTCA-3'
Protein context (NP_060004.3, residues 1569-1589): LELNQVKSEV[Asp1579Glu]RKIAEKDEEI

ClinVar aggregate classification (germline): Uncertain significance (1 of 4 stars; one submission).

Conditions:
Myopathy, proximal, and ophthalmoplegia (CMYO6). Also called: CONGENITAL MYOPATHY 6 WITH OPHTHALMOPLEGIA; INCLUSION BODY MYOPATHY 3, AUTOSOMAL DOMINANT; MYOPATHY WITH CONGENITAL JOINT CONTRACTURES, OPHTHALMOPLEGIA, AND RIMMED VACUOLES. Identifiers: Orphanet 363677, Orphanet 79091, MedGen C1854106, MONDO:0011577, OMIM 605637.

Submission:

Labcorp Genetics (formerly Invitae), Labcorp
Classification: Uncertain significance for Myopathy, proximal, and ophthalmoplegia. Last evaluated: 2022-08-23. Review status: criteria provided, single submitter. Criteria: Invitae Variant Classification Sherloc (09022015). Collection method: clinical testing. Allele origin: germline.
Comment: This sequence change replaces aspartic acid, which is acidic and polar, with glutamic acid, which is acidic and polar, at codon 1579 of the MYH2 protein (p.Asp1579Glu). In summary, the available evidence is currently insufficient to determine the role of this variant in disease. Therefore, it has been classified as a Variant of Uncertain Significance. Algorithms developed to predict the effect of missense changes on protein structure and function are either unavailable or do not agree on the potential impact of this missense change (SIFT: "Deleterious"; PolyPhen-2: "Benign"; Align-GVGD: "Class C35"). This variant has not been reported in the literature in individuals affected with MYH2-related conditions. This variant is not present in population databases (gnomAD no frequency).